The following is an entry in ClinVar:

ClinVar aggregate classification (germline): Likely benign. Review status: criteria provided, multiple submitters, no conflicts (2 of 4 stars). 4 submissions from 4 submitters: Likely benign (2). 2 of the submissions do not count toward it. Last evaluated 2026-01-14.

Conditions:
ACACA-related disorder. Also called: ACACA-related condition.

Allele frequency attached by ClinVar (database versions not stated): 1000 Genomes Project 0.00080; 1000 Genomes Project 30x 0.00094; TOPMed 0.00230; gnomAD 0.00281 and 0.00298; gnomAD exomes 0.00301 and 0.00353; ESP Exome Variant Server 0.00308; ExAC 0.00327.
gnomAD v4.1: 5,498 of 1,609,394 alleles (0.34%); highest among the groups gnomAD compares: Non-Finnish European, 0.4%; 16 homozygotes.

Submissions (4):

Labcorp Genetics (formerly Invitae), Labcorp
Classification: Likely benign. Last evaluated: 2026-01-14. Review status: criteria provided, single submitter. Criteria: Invitae Variant Classification Sherloc (09022015). Collection method: clinical testing. Allele origin: germline.

CeGaT Center for Human Genetics Tuebingen
Classification: Likely benign. Last evaluated: 2025-03-01. Review status: criteria provided, single submitter. Criteria: CeGaT Center For Human Genetics Tuebingen Variant Classification Criteria Version 2. Collection method: clinical testing. Allele origin: germline. Affected: yes. Observed: 2 variant alleles.
Comment: ACACA: BP4, BS2

PreventionGenetics, part of Exact Sciences
Classification: Likely benign for ACACA-related condition. Last evaluated: 2019-02-21. Review status: no assertion criteria provided. Collection method: clinical testing. Allele origin: germline. Not counted in ClinVar's aggregate classification.
Comment: This variant is classified as likely benign based on ACMG/AMP sequence variant interpretation guidelines (Richards et al. 2015 PMID: 25741868, with internal and published modifications).

Mayo Clinic Laboratories, Mayo Clinic
Classification: Likely benign. Last evaluated: 2017-12-28. Review status: no assertion criteria provided. Collection method: clinical testing. Allele origin: unknown. Not counted in ClinVar's aggregate classification.

NM_198834.3(ACACA):c.1009-3A>C

Gene: ACACA (acetyl-CoA carboxylase alpha; minus strand). Cytogenetic location: 17q12.
Variant type: single nucleotide variant.
Coding change: c.1009-3A>C on transcript NM_198834.3 (MANE Select); 3 bases into the intron before coding-DNA position 1009, A replaced by C.
Molecular consequence: intron variant.
Genome position (GRCh38, 1-based): chr17:37,270,864, T>G on the plus strand (A>C on the coding strand, the complement: ACACA is on the minus strand). VCF-style: chr17-37270864-T-G. GRCh37 (hg19) VCF-style: chr17-35627755-T-G.
Other names: c.898-3A>C (NM_198839.3, NM_198836.3); c.724-3A>C (NM_198837.2); c.664-3A>C (NM_198838.2); c.1009-3A>C (NM_198834.2).
Identifiers: ClinVar variation 559347 (VCV000559347.37), dbSNP rs184995115, ClinGen allele CA8515853.